The following is an entry in ClinVar:

ClinVar aggregate classification (germline): Conflicting classifications of pathogenicity. Review status: criteria provided, conflicting classifications (1 of 4 stars). 3 submissions from 3 submitters: Likely pathogenic (1); Uncertain significance (1). 1 of the submissions does not count toward it. Last evaluated 2024-10-29.

Conditions:
Postaxial polydactyly-anterior pituitary anomalies-facial dysmorphism syndrome. Also called: Culler-Jones syndrome. Identifiers: Orphanet 420584, MedGen C4014479, MONDO:0014369, OMIM 615849.

Submissions (3):

Victorian Clinical Genetics Services, Murdoch Childrens Research Institute
Classification: Likely pathogenic for Postaxial polydactyly-anterior pituitary anomalies-facial dysmorphism syndrome. Last evaluated: 2024-10-29. Review status: criteria provided, single submitter. Criteria: ACMG Guidelines, 2015. Collection method: clinical testing. Allele origin: germline. Affected: yes.
Comment: This variant is classified as Likely pathogenic. Evidence in support of pathogenic classification: Variant is absent from gnomAD (v2, v3 and v4); Missense variant in a region that is highly intolerant to missense variation (high constraint region in DECIPHER); Missense variant consistently predicted to be damaging by in silico tool or highly conserved with a major amino acid change; Additional information: Variant is predicted to result in a missense amino acid change from arginine to leucine; This variant is heterozygous; This gene is associated with autosomal dominant disease; Multiple alternative amino acid changes at the same position have been observed in gnomAD (v4; highest allele count: 3 heterozygote(s), 0 homozygote(s)); Previous evidence of pathogenicity for this variant is inconclusive. It has been classified as a VUS by a clinical laboratory in ClinVar; No published segregation evidence has been identified for this variant; No published functional evidence has been identified for this variant; Another missense variant comparable to the one identified in this case has inconclusive previous evidence for pathogenicity. p.(Arg499His) has been classified as a VUS in ClinVar; Dominant negative and loss of function are known mechanisms of disease in this gene and are associated with Culler-Jones syndrome (MIM#615849) and holoprosencephaly 9 (MIM#610829) (PMID: 15994174, 23408573).

GeneDx
Classification: Uncertain significance. Last evaluated: 2023-07-05. Review status: criteria provided, single submitter. Criteria: GeneDx Variant Classification Process June 2021. Collection method: clinical testing. Allele origin: germline. Affected: yes.
Comment: Not observed at significant frequency in large population cohorts (gnomAD); In silico analysis supports that this missense variant has a deleterious effect on protein structure/function; Has not been previously published as pathogenic or benign to our knowledge

Hunter Genetics General Clinical Genetics Service, Hunter Genetics
Classification: Likely pathogenic for Postaxial polydactyly-anterior pituitary anomalies-facial dysmorphism syndrome. Last evaluated: 2025-06-10. Review status: no assertion criteria provided. Collection method: clinical testing. Allele origin: germline. Inheritance: Autosomal dominant inheritance. Affected: yes. Observed: 1 heterozygote. Not counted in ClinVar's aggregate classification.
Comment: A de novo heterozygous missense variant was identified in GLI2 (NM_001374353.1:c.1496G>T; p.Arg499Leu). This variant lies within the zinc finger DNA-binding domain, affects a highly conserved arginine residue, and is absent from population databases (gnomAD v2, v3, v4), ClinVar, and HGMD. ACMG classification is PS2_moderate (confirmed de novo), PM1 (critical domain), PP3_strong (alphamissense=0.999) and PM5_supportive (results in a different amino acid change than the known pathogenic variant) consistent with a "likely pathogenic" designation. No other clinically relevant variants were detected.

Literature cited by the submitters: PubMed 23408573 (cited by Victorian Clinical Genetics Services, Murdoch Childrens Research Institute); PubMed 15994174 (cited by Victorian Clinical Genetics Services, Murdoch Childrens Research Institute); PubMed 31479589 (cited by Hunter Genetics General Clinical Genetics Service, Hunter Genetics).

NM_001374353.1(GLI2):c.1496G>T (p.Arg499Leu)

Gene: GLI2 (GLI family zinc finger 2; plus strand). Cytogenetic location: 2q14.2.
Variant type: single nucleotide variant.
Coding change: c.1496G>T on transcript NM_001374353.1 (MANE Select); coding-DNA position 1496, G replaced by T.
Protein change: p.Arg499Leu; replaces arginine 499 with leucine.
Molecular consequence: missense variant.
Genome position (GRCh38, 1-based): chr2:120,982,744, G>T. VCF-style: chr2-120982744-G-T. GRCh37 (hg19) VCF-style: chr2-121740320-G-T.
Other names: c.1547G>T, p.Arg516Leu (NM_001371271.1, NM_005270.5); c.1121G>T, p.Arg374Leu (NM_001374354.1); short protein forms R374L, R499L, R516L.
Identifiers: ClinVar variation 3360680 (VCV003360680.2).